The following is an entry in ClinVar:

NM_001042492.3(NF1):c.1324del (p.Met442fs)

Gene: NF1 (neurofibromin 1; plus strand). Cytogenetic location: 17q11.2.
Variant type: Deletion.
Coding change: c.1324del on transcript NM_001042492.3 (MANE Select); coding-DNA position 1324, one base deleted (A; older notation c.1324delA).
Protein change: p.Met442fs; shifts the reading frame from methionine 442.
Molecular consequence: frameshift variant.
Genome position (GRCh38, 1-based): chr17:31,206,303, A deleted. VCF-style (leftmost placement, unchanged base first): chr17-31206302-TA-T. GRCh37 (hg19) VCF-style: chr17-29533320-TA-T.
Other names: c.1324del, p.Met442fs (NM_000267.4, NM_001128147.3); short protein forms M442fs.
Identifiers: ClinVar variation 4719827 (VCV004719827.1).

ClinVar aggregate classification (germline): Pathogenic (1 of 4 stars; one submission).

Conditions:
Neurofibromatosis, type 1 (NF1). Also called: NEUROFIBROMATOSIS, TYPE I, SOMATIC; VON RECKLINGHAUSEN DISEASE; Peripheral type neurofibromatosis; Neurofibromatosis, type I. Identifiers: Orphanet 636, MedGen C0027831, MONDO:0018975, OMIM 162200. Disease mechanism: loss of function.

Submission:

Labcorp Genetics (formerly Invitae), Labcorp
Classification: Pathogenic for Neurofibromatosis, type 1. Last evaluated: 2025-05-19. Review status: criteria provided, single submitter. Criteria: Invitae Variant Classification Sherloc (09022015). Collection method: clinical testing. Allele origin: germline.
Comment: This sequence change creates a premature translational stop signal (p.Met442Cysfs*31) in the NF1 gene. It is expected to result in an absent or disrupted protein product. Loss-of-function variants in NF1 are known to be pathogenic (PMID: 10712197, 23913538). This variant is not present in population databases (gnomAD no frequency). This variant has not been reported in the literature in individuals affected with NF1-related conditions. For these reasons, this variant has been classified as Pathogenic.

Literature cited by the submitters: PubMed 10712197; PubMed 23913538.